The following is an entry in ClinVar:

NM_001197104.2(KMT2A):c.10404T>G (p.Ile3468Met)

Gene: KMT2A (lysine methyltransferase 2A; plus strand). Cytogenetic location: 11q23.3.
Variant type: single nucleotide variant.
Coding change: c.10404T>G on transcript NM_001197104.2 (MANE Select); coding-DNA position 10404, T replaced by G.
Protein change: p.Ile3468Met; replaces isoleucine 3468 with methionine.
Molecular consequence: missense variant.
Genome position (GRCh38, 1-based): chr11:118,506,296, T>G. VCF-style: chr11-118506296-T-G. GRCh37 (hg19) VCF-style: chr11-118377011-T-G.
Other names: c.10494T>G, p.Ile3498Met (NM_001412597.1); c.10395T>G, p.Ile3465Met (NM_005933.4); short protein forms I3465M, I3468M, I3498M.
Identifiers: ClinVar variation 4800584 (VCV004800584.1).

ClinVar aggregate classification (germline): Uncertain significance (1 of 4 stars; one submission).

Submission:

Labcorp Genetics (formerly Invitae), Labcorp
Classification: Uncertain significance. Last evaluated: 2025-10-17. Review status: criteria provided, single submitter. Criteria: Invitae Variant Classification Sherloc (09022015). Collection method: clinical testing. Allele origin: germline.
Comment: This sequence change replaces isoleucine, which is neutral and non-polar, with methionine, which is neutral and non-polar, at codon 3468 of the KMT2A protein (p.Ile3468Met). This variant is not present in population databases (gnomAD no frequency). This variant has not been reported in the literature in individuals affected with KMT2A-related conditions. Invitae Evidence Modeling of protein sequence and biophysical properties (such as structural, functional, and spatial information, amino acid conservation, physicochemical variation, residue mobility, and thermodynamic stability) indicates that this missense variant is not expected to disrupt KMT2A protein function with a negative predictive value of 95%. In summary, the available evidence is currently insufficient to determine the role of this variant in disease. Therefore, it has been classified as a Variant of Uncertain Significance.